The following is an entry in ClinVar:

NM_000465.4(BARD1):c.760A>G (p.Ile254Val)

Gene: BARD1 (BRCA1 associated RING domain 1; minus strand). Cytogenetic location: 2q35.
Variant type: single nucleotide variant.
Coding change: c.760A>G on transcript NM_000465.4 (MANE Select); coding-DNA position 760, A replaced by G.
Protein change: p.Ile254Val; replaces isoleucine 254 with valine.
Molecular consequence: missense variant. On other transcripts: non-coding transcript variant (2), intron variant (3).
Genome position (GRCh38, 1-based): chr2:214,781,114, T>C on the plus strand (A>G on the coding strand, the complement: BARD1 is on the minus strand). VCF-style: chr2-214781114-T-C. GRCh37 (hg19) VCF-style: chr2-215645838-T-C.
Other names: c.703A>G, p.Ile235Val (NM_001282543.2); c.158+28298A>G (NM_001282548.2); c.215+15947A>G (NM_001282545.2); c.364+11183A>G (NM_001282549.2); short protein forms I235V, I254V.
Identifiers: ClinVar variation 4867390 (VCV004867390.1).

ClinVar aggregate classification (germline): Uncertain significance (1 of 4 stars; one submission).

Conditions:
Hereditary cancer-predisposing syndrome. Also called: Neoplastic Syndromes, Hereditary; Tumor predisposition; Hereditary Cancer Syndrome; Hereditary neoplastic syndrome. Identifiers: Orphanet 140162, MedGen C0027672, MeSH D009386, MONDO:0015356.

Submission:

Ambry Genetics
Classification: Uncertain significance for Hereditary cancer-predisposing syndrome. Last evaluated: 2026-04-02. Review status: criteria provided, single submitter. Criteria: Ambry Variant Classification Scheme 2023. Collection method: clinical testing. Allele origin: germline.
Comment: The p.I254V variant (also known as c.760A>G), located in coding exon 4 of the BARD1 gene, results from an A to G substitution at nucleotide position 760. The isoleucine at codon 254 is replaced by valine, an amino acid with highly similar properties. This amino acid position is conserved. In addition, this alteration is predicted to be tolerated by in silico analysis. Based on the available evidence, the clinical significance of this variant remains unclear.